The following is an entry in ClinVar:

NM_001098.3(ACO2):c.1243A>G (p.Thr415Ala)

Gene: ACO2 (aconitase 2; plus strand). Cytogenetic location: 22q13.2.
Variant type: single nucleotide variant.
Coding change: c.1243A>G on transcript NM_001098.3 (MANE Select); coding-DNA position 1243, A replaced by G.
Protein change: p.Thr415Ala; replaces threonine 415 with alanine.
Molecular consequence: missense variant.
Genome position (GRCh38, 1-based): chr22:41,522,934, A>G. VCF-style: chr22-41522934-A-G. GRCh37 (hg19) VCF-style: chr22-41918938-A-G.
Other names: c.1243A>G (NM_001098.2); short protein forms T415A.
Identifiers: ClinVar variation 1470588 (VCV001470588.7), dbSNP rs2146134888, ClinGen allele CA411725015.

ClinVar aggregate classification (germline): Uncertain significance. Review status: criteria provided, multiple submitters, no conflicts (2 of 4 stars). 2 submissions from 2 submitters: Uncertain significance (2). Last evaluated 2022-12-20.

Submissions (2):

GeneDx
Classification: Uncertain significance. Last evaluated: 2022-12-20. Review status: criteria provided, single submitter. Criteria: GeneDx Variant Classification Process June 2021. Collection method: clinical testing. Allele origin: germline. Affected: yes.
Comment: Not observed at significant frequency in large population cohorts (gnomAD); In silico analysis supports that this missense variant has a deleterious effect on protein structure/function; Has not been previously published as pathogenic or benign to our knowledge

Labcorp Genetics (formerly Invitae), Labcorp
Classification: Uncertain significance. Last evaluated: 2022-03-10. Review status: criteria provided, single submitter. Criteria: Invitae Variant Classification Sherloc (09022015). Collection method: clinical testing. Allele origin: germline.
Comment: This variant has not been reported in the literature in individuals affected with ACO2-related conditions. This variant is not present in population databases (gnomAD no frequency). This sequence change replaces threonine, which is neutral and polar, with alanine, which is neutral and non-polar, at codon 415 of the ACO2 protein (p.Thr415Ala). Advanced modeling of protein sequence and biophysical properties (such as structural, functional, and spatial information, amino acid conservation, physicochemical variation, residue mobility, and thermodynamic stability) performed at Invitae indicates that this missense variant is expected to disrupt ACO2 protein function. In summary, the available evidence is currently insufficient to determine the role of this variant in disease. Therefore, it has been classified as a Variant of Uncertain Significance.